The following is an entry in ClinVar:

NM_001205254.2(OCLN):c.35dup (p.Tyr12Ter)

Gene: OCLN (occludin; plus strand). Cytogenetic location: 5q13.2.
Variant type: Duplication.
Coding change: c.35dup on transcript NM_001205254.2 (MANE Select); coding-DNA position 35, one base duplicated (A; older notation c.35dupA).
Protein change: p.Tyr12Ter; replaces tyrosine 12 with a stop codon.
Molecular consequence: nonsense.
Genome position (GRCh38, 1-based): chr5:69,504,279, A duplicated. VCF-style (leftmost placement, unchanged base first): chr5-69504278-T-TA. GRCh37 (hg19) VCF-style: chr5-68800105-T-TA.
Other names: c.-40dup (NM_001205255.2); c.35dup, p.Tyr12Ter (NM_001410743.1, NM_002538.4); short protein forms Y12*.
Identifiers: ClinVar variation 2711780 (VCV002711780.3), dbSNP rs2531106977, ClinGen allele CA2697547200.

ClinVar aggregate classification (germline): Pathogenic (1 of 4 stars; one submission).

Submission:

Labcorp Genetics (formerly Invitae), Labcorp
Classification: Pathogenic. Last evaluated: 2024-01-26. Review status: criteria provided, single submitter. Criteria: Invitae Variant Classification Sherloc (09022015). Collection method: clinical testing. Allele origin: germline.
Comment: This sequence change creates a premature translational stop signal (p.Tyr12*) in the OCLN gene. It is expected to result in an absent or disrupted protein product. Loss-of-function variants in OCLN are known to be pathogenic (PMID: 20727516, 28179633). This variant is not present in population databases (gnomAD no frequency). This variant has not been reported in the literature in individuals affected with OCLN-related conditions. For these reasons, this variant has been classified as Pathogenic.

Literature cited by the submitters: PubMed 20727516; PubMed 28179633.